The following is an entry in ClinVar:

NM_005431.2(XRCC2):c.643C>T (p.Arg215Ter)

Gene: XRCC2 (X-ray repair cross complementing 2; minus strand). Cytogenetic location: 7q36.1.
Variant type: single nucleotide variant.
Coding change: c.643C>T on transcript NM_005431.2 (MANE Select); coding-DNA position 643, C replaced by T.
Protein change: p.Arg215Ter; replaces arginine 215 with a stop codon.
Molecular consequence: nonsense.
Genome position (GRCh38, 1-based): chr7:152,648,842, G>A on the plus strand (C>T on the coding strand, the complement: XRCC2 is on the minus strand). VCF-style: chr7-152648842-G-A. GRCh37 (hg19) VCF-style: chr7-152345927-G-A.
Other names: short protein forms R215*.
Identifiers: ClinVar variation 30063 (VCV000030063.25), dbSNP rs143153871, ClinGen allele CA128903.

ClinVar aggregate classification (germline): Conflicting classifications of pathogenicity. Review status: criteria provided, conflicting classifications (1 of 4 stars). 11 submissions from 11 submitters: Likely pathogenic (3); Uncertain significance (6). 2 of the submissions do not count toward it. Last evaluated 2025-07-10.

Conditions:
Fanconi anemia complementation group U. Identifiers: MedGen C4310651, MONDO:0014987, OMIM 617247.
Short stature, microcephaly, and endocrine dysfunction (SSMED). Identifiers: Orphanet 436182, MedGen C4225288, MONDO:0014686, OMIM 616541.
Hereditary cancer-predisposing syndrome. Also called: Hereditary neoplastic syndrome; Neoplastic Syndromes, Hereditary; Tumor predisposition; Hereditary Cancer Syndrome. Identifiers: Orphanet 140162, MedGen C0027672, MeSH D009386, MONDO:0015356.

Allele frequency attached by ClinVar (database versions not stated): gnomAD exomes 0.00004; gnomAD 0.00005 and 0.00006; TOPMed 0.00003; ExAC 0.00004; ESP Exome Variant Server 0.00008.

Submissions (11):

Quest Diagnostics Nichols Institute San Juan Capistrano
Classification: Uncertain significance. Last evaluated: 2025-07-10. Review status: criteria provided, single submitter. Criteria: Quest Diagnostics criteria. Collection method: clinical testing. Allele origin: unknown.
Comment: The XRCC2 c.643C>T (p.Arg215*) variant is located in the terminal exon of the XRCC2 gene and is not expected to cause loss of protein expression through nonsense-mediated decay. However, it disrupts a substantial portion of the protein which may result in altered function. This variant has been reported in the published literature in a heterozygous state in individuals with breast cancer (PMID: 28486781 (2017)), prostate cancer (PMID: 39455978 (2024)), and uterine corpus endometrial carcinoma (PMID: 26689913 (2015)). In addition, this variant has been reported in a homozygous state in individuals with Fanconi anemia (PMID: 22232082 (2012)) and male infertility (PMID: 32719396 (2020)). Assessment of experimental analysis yielded inconclusive results regarding the impact of this variant on protein function (PMIDs: 27208205 (2016), 27233470 (2016)). The frequency of this variant in the general population (Genome Aggregation Database) is uninformative in the assessment of its pathogenicity. Because the available gene-level evidence is currently insufficient to determine the role of this gene and variant in disease (ClinGen Hereditary Cancer Gene Curation Expert Panel), we are unable to determine the clinical significance of this variant in relation to hereditary cancer predisposition and Fanconi anemia complementation group U.

Labcorp Genetics (formerly Invitae), Labcorp
Classification: Uncertain significance. Last evaluated: 2025-07-02. Review status: criteria provided, single submitter. Criteria: Invitae Variant Classification Sherloc (09022015). Collection method: clinical testing. Allele origin: germline.
Comment: This sequence change creates a premature translational stop signal (p.Arg215*) in the XRCC2 gene. While this is not anticipated to result in nonsense mediated decay, it is expected to disrupt the last 66 amino acid(s) of the XRCC2 protein. This variant is present in population databases (rs143153871, gnomAD 0.02%). This premature translational stop signal has been observed in individual(s) with breast cancer, male infertility, and has been observed to be homozygous in an individual with Fanconi anemia (PMID: 22232082, 26046366, 26845104, 28486781, 30306255). ClinVar contains an entry for this variant (Variation ID: 30063). Algorithms developed to predict the effect of variants on gene product structure and function are not available or were not evaluated for this variant. Experimental studies have shown that this premature translational stop signal affects XRCC2 function (PMID: 27233470). In summary, the available evidence is currently insufficient to determine the role of this variant in disease. Therefore, it has been classified as a Variant of Uncertain Significance.

Genomic Medicine Center of Excellence, King Faisal Specialist Hospital and Research Centre
Classification: Likely pathogenic for Fanconi anemia complementation group U. Last evaluated: 2024-03-14. Review status: criteria provided, single submitter. Criteria: ACMG Guidelines, 2015. Collection method: research. Allele origin: germline.

Ambry Genetics
Classification: Likely pathogenic for Hereditary cancer-predisposing syndrome. Last evaluated: 2024-01-30. Review status: criteria provided, single submitter. Criteria: Ambry Variant Classification Scheme 2023. Collection method: clinical testing. Allele origin: germline.
Comment: The p.R215* variant (also known as c.643C>T), located in coding exon 3 of the XRCC2 gene, results from a C to T substitution at nucleotide position 643. This changes the amino acid from an arginine to a stop codon within coding exon 3. This alteration occurs at the 3' terminus of theXRCC2 gene and is not expected to trigger nonsense-mediated mRNA decay. However, premature stop codons are typically deleterious in nature and a significant portion of the protein is affected (Ambry internal data). Functional analyses have shown that p.R215* creates an unstable protein, with increased sensitivity to DNA crosslinking agents similar to other known pathogenic mutations causing Fanconi anemia; reintroduction of wild-type XRCC2 protein in complementation studies restored normal cellular phenotype, providing further evidence for the pathogenicity of p.R215* (Park JY et al. J. Med. Genet. 2016 Oct;53:672-680). Further studies showed that the p.R215* alteration results in less than 50% rescue in two out of three different homologous recombination assays compared to wild-type (Hilbers FS et al. Hum. Mutat. 2016 09;37:914-25). While this alteration has been shown to be associated with Fanconi Anemia and lead to impaired protein function, its association with breast cancer remains unclear. Based on the majority of available evidence to date, this variant is likely to be pathogenic.

Blueprint Genetics
Classification: Uncertain significance. Last evaluated: 2023-10-06. Review status: criteria provided, single submitter. Criteria: ACMG Guidelines, 2015. Collection method: clinical testing. Allele origin: germline.

Mendelics
Classification: Uncertain significance for Fanconi anemia complementation group U. Last evaluated: 2019-05-28. Review status: criteria provided, single submitter. Criteria: Mendelics Assertion Criteria 2017. Collection method: clinical testing. Allele origin: unknown.

GeneDx
Classification: Uncertain significance. Last evaluated: 2017-06-27. Review status: criteria provided, single submitter. Criteria: GeneDx Variant Classification (06012015). Collection method: clinical testing. Allele origin: germline. Affected: yes.
Comment: This variant is denoted XRCC2 c.643C>T at the cDNA level and p.Arg215Ter (R215X) at the protein level. The substitution creates a nonsense variant, which changes an Arginine to a premature stop codon (CGA>TGA) in the last exon of the gene. This variant has also been observed in at least two individuals with a personal history or breast cancer (Shirts 2016, Lolas Hamameh 2017). However, this variant was also identified in 1/951 individuals with atherosclerosis, with no significant personal or family history of cancer (Johnston 2015). This variant results in the loss of the last 66 amino acids of the protein for which the clinical significance is unknown. This variant was observed at an allele frequency of 0.007% (5/66,720) in individuals of European non-Finnish ancestry in large population cohorts (NHLBI Exome Sequencing Project, The 1000 Genomes Consortium 2015, Lek 2016).The lost region is not within any known functional domain (O'Regan 2001). Based on the currently available information, we consider XRCC2 Arg215Ter to be a variant of uncertain significance.

University of Washington Department of Laboratory Medicine, University of Washington
Classification: Uncertain significance for Hereditary cancer-predisposing syndrome. Last evaluated: 2015-11-20. Review status: criteria provided, single submitter. Criteria: Shirts et al. (Genet Med 2016). Collection method: clinical testing. Allele origin: germline. Affected: yes. Observed: 1 variant allele.

Pathology and Clinical Laboratory Medicine, King Fahad Medical City
Classification: Likely pathogenic for Short stature, microcephaly, and endocrine dysfunction. Review status: criteria provided, single submitter. Criteria: ACMG Guidelines, 2015. Collection method: clinical testing. Allele origin: germline. Affected: yes. Observed: 2 variant alleles.

Leiden Open Variation Database
Classification: Pathogenic. Last evaluated: 2017-03-08. Review status: no assertion criteria provided. Collection method: curation. Allele origin: germline. Affected: yes. Not counted in ClinVar's aggregate classification.
Comment: Curator: Arleen D. Auerbach. Submitter to LOVD: Johan den Dunnen.

OMIM
Classification: Uncertain significance for FANCONI ANEMIA, COMPLEMENTATION GROUP U (1 patient). Last evaluated: 2016-12-09. Review status: no assertion criteria provided. Collection method: literature only. Allele origin: germline. Not counted in ClinVar's aggregate classification.

Literature cited by the submitters: PubMed 27233470 (cited by 3 submitters); PubMed 27208205 (cited by 4 submitters); PubMed 22232082 (cited by 5 submitters); PubMed 32832836 (cited by Quest Diagnostics Nichols Institute San Juan Capistrano and Ambry Genetics); PubMed 28486781 (cited by 3 submitters); PubMed 32719396 (cited by Quest Diagnostics Nichols Institute San Juan Capistrano); PubMed 33543475 (cited by Quest Diagnostics Nichols Institute San Juan Capistrano); PubMed 39455978 (cited by Quest Diagnostics Nichols Institute San Juan Capistrano); PubMed 26689913 (cited by Quest Diagnostics Nichols Institute San Juan Capistrano); PubMed 26046366 (cited by Labcorp Genetics (formerly Invitae), Labcorp and Ambry Genetics); PubMed 26845104 (cited by Labcorp Genetics (formerly Invitae), Labcorp and Ambry Genetics); PubMed 30306255 (cited by Labcorp Genetics (formerly Invitae), Labcorp and Ambry Genetics); PubMed 11118202 (cited by OMIM).